The following is an entry in ClinVar:

ClinVar aggregate classification (germline): Conflicting classifications of pathogenicity. Review status: criteria provided, conflicting classifications (1 of 4 stars). 5 submissions from 5 submitters: Uncertain significance (3); Likely benign (2). Last evaluated 2026-01-12.

Conditions:
Postaxial polydactyly-anterior pituitary anomalies-facial dysmorphism syndrome. Also called: Culler-Jones syndrome. Identifiers: Orphanet 420584, MedGen C4014479, MONDO:0014369, OMIM 615849.
Holoprosencephaly 9 (HPE9). Also called: HOLOPROSENCEPHALY WITH MICROPHTHALMIA AND FIRST BRANCHIAL ARCH ANOMALIES; PITUITARY ANOMALIES WITH HOLOPROSENCEPHALY-LIKE FEATURES. Identifiers: Orphanet 2162, MedGen C1835819, MONDO:0012563, OMIM 610829.

Allele frequency attached by ClinVar (database versions not stated): gnomAD 0.00016; TOPMed 0.00017; gnomAD exomes 0.00019; ExAC 0.00022; ESP Exome Variant Server 0.00023.
gnomAD v4.1: 221 of 1,614,130 alleles (0.014%); highest among the groups gnomAD compares: Middle Eastern, 0.17%; no homozygotes.

Submissions (5):

Labcorp Genetics (formerly Invitae), Labcorp
Classification: Uncertain significance for Postaxial polydactyly-anterior pituitary anomalies-facial dysmorphism syndrome; Holoprosencephaly 9. Last evaluated: 2026-01-12. Review status: criteria provided, single submitter. Criteria: Invitae Variant Classification Sherloc (09022015). Collection method: clinical testing. Allele origin: germline.
Comment: This sequence change replaces glycine, which is neutral and non-polar, with arginine, which is basic and polar, at codon 748 of the GLI2 protein (p.Gly748Arg). This variant is present in population databases (rs146944207, gnomAD 0.04%), and has an allele count higher than expected for a pathogenic variant. This variant has not been reported in the literature in individuals affected with GLI2-related conditions. ClinVar contains an entry for this variant (Variation ID: 1432516). Invitae Evidence Modeling of protein sequence and biophysical properties (such as structural, functional, and spatial information, amino acid conservation, physicochemical variation, residue mobility, and thermodynamic stability) indicates that this missense variant is not expected to disrupt GLI2 protein function with a negative predictive value of 80%. In summary, the available evidence is currently insufficient to determine the role of this variant in disease. Therefore, it has been classified as a Variant of Uncertain Significance.

CeGaT Center for Human Genetics Tuebingen
Classification: Likely benign. Last evaluated: 2025-10-01. Review status: criteria provided, single submitter. Criteria: CeGaT Center For Human Genetics Tuebingen Variant Classification Criteria Version 2. Collection method: clinical testing. Allele origin: germline. Affected: yes. Observed: 1 variant allele.
Comment: GLI2: BP4

Women's Health and Genetics/Laboratory Corporation of America, LabCorp
Classification: Uncertain significance. Last evaluated: 2025-04-28. Review status: criteria provided, single submitter. Criteria: LabCorp Variant Classification Summary - May 2015. Collection method: clinical testing. Allele origin: germline.
Comment: Variant summary: GLI2 c.2242G>A (p.Gly748Arg) results in a non-conservative amino acid change in the encoded protein sequence. Four of five in-silico tools predict a damaging effect of the variant on protein function. The variant allele was found at a frequency of 0.00019 in 249970 control chromosomes. This frequency is not significantly higher than estimated for a pathogenic variant in GLI2 causing GLI2-Related Disorders, allowing no conclusion about variant significance. To our knowledge, no occurrence of c.2242G>A in individuals affected with GLI2-Related Disorders and no experimental evidence demonstrating its impact on protein function have been reported. ClinVar contains an entry for this variant (Variation ID: 1432516). Based on the evidence outlined above, the variant was classified as uncertain significance.

Blueprint Genetics
Classification: Likely benign. Last evaluated: 2024-11-22. Review status: criteria provided, single submitter. Criteria: ACMG Guidelines, 2015. Collection method: clinical testing. Allele origin: germline.

Breakthrough Genomics
Classification: Uncertain significance. Review status: criteria provided, single submitter. Criteria: ACMG Guidelines, 2015. Collection method: not provided. Allele origin: germline. Inheritance: Autosomal dominant inheritance. Affected: yes.

NM_001374353.1(GLI2):c.2191G>A (p.Gly731Arg)

Gene: GLI2 (GLI family zinc finger 2; plus strand). Cytogenetic location: 2q14.2.
Variant type: single nucleotide variant.
Coding change: c.2191G>A on transcript NM_001374353.1 (MANE Select); coding-DNA position 2191, G replaced by A.
Protein change: p.Gly731Arg; replaces glycine 731 with arginine.
Molecular consequence: missense variant.
Genome position (GRCh38, 1-based): chr2:120,986,563, G>A. VCF-style: chr2-120986563-G-A. GRCh37 (hg19) VCF-style: chr2-121744139-G-A.
Other names: c.2242G>A, p.Gly748Arg (NM_001371271.1, NM_005270.5); c.1816G>A, p.Gly606Arg (NM_001374354.1); short protein forms G748R, G731R, G606R.
Identifiers: ClinVar variation 1432516 (VCV001432516.19), dbSNP rs146944207, ClinGen allele CA1852158.
Genomic context (GRCh38, chr2:120,986,563, plus strand): 5'-CGGTTCGAGCAGCTCAAGAAGGAGAAGCTCAAGTCACTCAAGGATTCCTGCTCATGGGCC[G>A]GGCCGACTCCACACACGCGGAACACCAAGCTGCCTCCCCTCCCGGGAAGTGGTGAGTAAA-3'
Protein context (NP_001361282.1, residues 721-741): KSLKDSCSWA[Gly731Arg]PTPHTRNTKL